The following is an entry in ClinVar:

ClinVar aggregate classification (germline): Likely pathogenic (1 of 4 stars; one submission).

Conditions:
Hereditary breast ovarian cancer syndrome. Also called: Hereditary breast and ovarian cancer syndrome (HBOC); Breast and ovarian cancer; Hereditary breast and/or ovarian cancer syndrome; BRCA1- and BRCA2-Associated Hereditary Breast and Ovarian Cancer; Hereditary breast and ovarian cancer syndrome; Hereditary breast and ovarian cancer. Identifiers: Orphanet 145, MedGen C0677776, MeSH D061325, MONDO:0003582. Disease mechanism: loss of function.

Submission:

Labcorp Genetics (formerly Invitae), Labcorp
Classification: Likely pathogenic for Hereditary breast ovarian cancer syndrome. Last evaluated: 2020-02-07. Review status: criteria provided, single submitter. Criteria: Invitae Variant Classification Sherloc (09022015). Collection method: clinical testing. Allele origin: germline.
Comment: In summary, the currently available evidence indicates that the variant is pathogenic, but additional data are needed to prove that conclusively. Therefore, this variant has been classified as Likely Pathogenic. Loss-of-function variants in BRCA2 are known to be pathogenic (PMID: 20104584). This variant has not been reported in the literature in individuals with BRCA2-related conditions. This variant results in a copy number gain of the genomic region encompassing exons 15-19 of the BRCA2 gene. While the exact position of this variant cannot be determined from this data, sub-genic copy number gains are generally in tandem (PMID: 25640679) and may result in an absent or disrupted protein product.

Literature cited by the submitters: PubMed 20104584; PubMed 25640679.

NC_000013.10:g.(?_32930545)_(32944714_?)dup

Gene: BRCA2 (BRCA2 DNA repair associated; plus strand). Cytogenetic location: 13q13.1.
Variant type: Duplication.
Identifiers: ClinVar variation 1066328 (VCV001066328.7).